The following is an entry in ClinVar:

NM_000092.5(COL4A4):c.3532G>A (p.Gly1178Ser)

Gene: COL4A4 (collagen type IV alpha 4 chain; minus strand). Cytogenetic location: 2q36.3.
Variant type: single nucleotide variant.
Coding change: c.3532G>A on transcript NM_000092.5 (MANE Select); coding-DNA position 3532, G replaced by A.
Protein change: p.Gly1178Ser; replaces glycine 1178 with serine.
Molecular consequence: missense variant.
Genome position (GRCh38, 1-based): chr2:227,033,455, C>T on the plus strand (G>A on the coding strand, the complement: COL4A4 is on the minus strand). VCF-style: chr2-227033455-C-T. GRCh37 (hg19) VCF-style: chr2-227898171-C-T.
Other names: p.Gly1178Ser; p.(Gly1178Ser); c.3532G>A (NM_000092.4); short protein forms G1178S.
Identifiers: ClinVar variation 1422939 (VCV001422939.20), dbSNP rs780504632, ClinGen allele CA2144497.

ClinVar aggregate classification (germline): Conflicting classifications of pathogenicity. Review status: criteria provided, conflicting classifications (1 of 4 stars). 14 submissions from 14 submitters: Pathogenic (1); Likely pathogenic (8); Uncertain significance (5). Last evaluated 2026-08-06.

Conditions:
Autosomal dominant Alport syndrome (ATS3A). Also called: Alport syndrome dominant type; Renal failure and sensorineural hearing loss; ALPORT SYNDROME 3A, AUTOSOMAL DOMINANT. Identifiers: Orphanet 63, Orphanet 88918, MedGen C5882663, MONDO:0007086, OMIM 104200.
Hematuria, benign familial, 1 (BFH1). Also called: THIN MEMBRANE NEPHROPATHY. Identifiers: MedGen CN376803, MONDO:0007709, OMIM 141200.
Autosomal recessive Alport syndrome (ATS2). Also called: ALPORT SYNDROME 2, AUTOSOMAL RECESSIVE; COL4A3-Related Nephropathy; COL4A4 Alport Syndrome and Thin Basement Membrane Nephropathy; Alport syndrome type 2. Identifiers: Orphanet 63, Orphanet 88919, MedGen C4746745, MONDO:0008762, OMIM 203780.
COL4A4-related disorder.
Alport syndrome. Also called: Hemorrhagic familial nephritis; Hemorrhagic hereditary nephritis; Congenital hereditary hematuria. Identifiers: Orphanet 63, MedGen C1567741, MONDO:0018965.

Allele frequency attached by ClinVar (database versions not stated): gnomAD exomes 0.00005 and 0.00009; TOPMed 0.00008; ExAC 0.00010; gnomAD 0.00006 and 0.00007.
gnomAD v4.1: 91 of 1,613,518 alleles (0.0056%); highest among the groups gnomAD compares: Admixed American, 0.013%; no homozygotes.

Submissions 1 to 11 of 14:

OLLIN Analises Genomicas, OLLIN
Classification: Uncertain significance for Hematuria, benign familial, 1. Last evaluated: 2026-08-06. Review status: criteria provided, single submitter. Criteria: ACMG Guidelines 2015 PMID 25741868. Collection method: clinical testing. Allele origin: germline.
Comment: This missense variant, located in exon 38 (of 48), has been reported in ClinVar (accession VCV001422939.15) and in gnomAD with an allele frequency of 0.0056%. However, to our knowledge, it has not been reported in the scientific literature. In silico analysis predicts that this variant has a deleterious effect. According to the currently available evidence, this variant has been classified as uncertain significance (PM2_P, PP3_S).

Centre de Génétique Humaine, Institut de Pathologie Et de Génétique
Classification: Likely pathogenic for Hematuria, benign familial, 1; Autosomal dominant Alport syndrome. Last evaluated: 2026-05-12. Review status: criteria provided, single submitter. Criteria: ACMG Guidelines, 2015. Collection method: clinical testing. Allele origin: germline, maternal, paternal. Inheritance: Autosomal dominant inheritance. Affected: yes. Observed: 7 variant alleles, 7 heterozygotes. Clinical features observed: Microscopic hematuria (HP:0002907), Stage 5 chronic kidney disease (HP:0003774), Severe albuminuria (HP:0033066), Hypertensive disorder (HP:0000822), Glomerular basement membrane lamellation (HP:0030034), Stage 2 chronic kidney disease (HP:0012624), Stage 3 chronic kidney disease (HP:0012625), Moderate albuminuria (HP:0012594), Multiple renal cysts (HP:0005562), Stage 4 chronic kidney disease (HP:0012626). Segregation with disease observed.
Comment: This missense variant involves a highly conserved glycine located in a ‘Gly-X-Y’ motif in collagenous region, which is characteristic of the pathogenic variants identified in the COL4A4 gene (PM1,PP2). This variant is rare: allelic frequency of 0.0056% in gnomAD v4.1.0 database (PM2). In silico analysis supports that this missense variant has a deleterious effect (PP3).

PreventionGenetics, part of Exact Sciences
Classification: Likely pathogenic for COL4A4-related condition. Last evaluated: 2026-04-23. Review status: criteria provided, single submitter. Criteria: ACMG Guidelines, 2015. Collection method: clinical testing. Allele origin: germline.
Comment: The COL4A4 c.3532G>A variant is predicted to result in the amino acid substitution p.Gly1178Ser. This variant is reported in 0.012% of alleles in individuals of European (Non-Finnish) descent in gnomAD. This variant was reported in the heterozygous state in an individual with COL4A4-related Alport syndrome spectrum phenotype (Groen in ’t Woud et al. 2023. PubMed ID: 36925663). This variant affects a glycine (Gly) residue of the conserved triple helical domain (residues 65 – 1459) of the COL4A4 protein, where substitutions of the glycine (Gly) residue are usually pathogenic (Hudson et al. 1993. PubMed ID: 8253711). In the same exon (exon 38), a substitution of glycine (Gly) as p.Gly1187Arg in the heterozygous state has been reported in an individual with autosomal dominant Alport syndrome (Table S2, Furlano et al. 2021. PubMed ID: 33838161). In addition, at other glycine (Gly) residues within this domain, substitutions of a glycine (Gly) with a serine (Ser) have been widely reported to be pathogenic for autosomal recessive or dominant COL4A4-related Alport syndrome spectrum disorders (see for example, p.Gly1242Ser in Zhang et al. 2021. PubMed ID: 33772369, autosomal recessive Alport syndrome; p.Gly1201Ser in Fig. 4a of Mochizuki et al. 1994. PubMed ID: 7987396, autosomal recessive Alport syndrome; p.Gly748Ser in Papazachariou et al. 2017. PubMed ID: 28632965, autosomal dominant familial microscopic hematuria; p.Gly481Ser in Frasca et al. 2005. PubMed ID: 15618242, autosomal dominant familial microscopic hematuria). Taken together, the c.3532G>A (p.Gly1178Ser) variant is interpreted as likely pathogenic for both autosomal dominant and recessive COL4A4-related Alport syndrome spectrum disorders.

Mayo Clinic Laboratories, Mayo Clinic
Classification: Pathogenic. Last evaluated: 2025-09-22. Review status: criteria provided, single submitter. Criteria: ACMG Guidelines, 2015. Collection method: clinical testing. Allele origin: germline. Observed: 1 variant allele.
Comment: PP3_strong, PM1_strong

Natera, Inc.
Classification: Likely pathogenic for Alport syndrome. Last evaluated: 2025-09-04. Review status: criteria provided, single submitter. Criteria: Natera Variant Classification Schema (03/2026). Collection method: clinical testing. Allele origin: germline.
Comment: The c.3532G>A variant in COL4A4 is a missense variant predicted to cause substitution of glycine to serine at amino acid 1178. This variant is rare in the general population with a frequency below the threshold expected for the associated phenotype(s). This variant is located in a functionally critical region of the protein. Computational prediction algorithms indicate this variant is likely to affect gene or protein function. Given the available evidence, this variant is classified as Likely Pathogenic.

Labcorp Genetics (formerly Invitae), Labcorp
Classification: Uncertain significance. Last evaluated: 2025-01-01. Review status: criteria provided, single submitter. Criteria: Invitae Variant Classification Sherloc (09022015). Collection method: clinical testing. Allele origin: germline.
Comment: This sequence change replaces glycine, which is neutral and non-polar, with serine, which is neutral and polar, at codon 1178 of the COL4A4 protein (p.Gly1178Ser). This variant is present in population databases (rs780504632, gnomAD 0.01%). This missense change has been observed in individual(s) with Alport syndrome and/or kidney disease (PMID: 36925663; internal data). ClinVar contains an entry for this variant (Variation ID: 1422939). Invitae Evidence Modeling of protein sequence and biophysical properties (such as structural, functional, and spatial information, amino acid conservation, physicochemical variation, residue mobility, and thermodynamic stability) indicates that this missense variant is expected to disrupt COL4A4 protein function with a positive predictive value of 95%. In summary, the available evidence is currently insufficient to determine the role of this variant in disease. Therefore, it has been classified as a Variant of Uncertain Significance.

Institute of Human Genetics Munich, TUM University Hospital
Classification: Likely pathogenic for Hematuria, benign familial, 1. Last evaluated: 2024-07-09. Review status: criteria provided, single submitter. Criteria: Classification criteria August 2017. Collection method: clinical testing. Allele origin: germline. Inheritance: Autosomal dominant inheritance. Affected: yes. Observed: 1 variant allele.

Fulgent Genetics
Classification: Likely pathogenic for Hematuria, benign familial, 1; Autosomal recessive Alport syndrome. Last evaluated: 2024-06-14. Review status: criteria provided, single submitter. Criteria: ACMG Guidelines, 2015. Collection method: clinical testing. Allele origin: germline.

Women's Health and Genetics/Laboratory Corporation of America, LabCorp
Classification: Uncertain significance. Last evaluated: 2024-01-18. Review status: criteria provided, single submitter. Criteria: LabCorp Variant Classification Summary - May 2015. Collection method: clinical testing. Allele origin: germline.
Comment: Variant summary: COL4A4 c.3532G>A (p.Gly1178Ser) results in a non-conservative amino acid change in the encoded protein sequence. Five of five in-silico tools predict a damaging effect of the variant on protein function. The variant allele was found at a frequency of 9.2e-05 in 248988 control chromosomes (gnomAD). This frequency is not significantly higher than estimated for a pathogenic variant in COL4A4 causing Alport Syndrome, Autosomal Recessive (9.2e-05 vs 0.0011), allowing no conclusion about variant significance. c.3532G>A has been reported in the literature in an individual(s) affected with kidney disease (Groen In 't Woud_2023). This report does not provide unequivocal conclusions about association of the variant with Alport Syndrome, Autosomal Recessive. To our knowledge, no experimental evidence demonstrating an impact on protein function has been reported. The following publication has been ascertained in the context of this evaluation (PMID: 36925663). ClinVar contains an entry for this variant (Variation ID: 1422939). Based on the evidence outlined above, the variant was classified as uncertain significance.

Blueprint Genetics
Classification: Uncertain significance. Last evaluated: 2023-06-21. Review status: criteria provided, single submitter. Criteria: ACMG Guidelines, 2015. Collection method: clinical testing. Allele origin: germline.

Molecular Genetics McLendon Clinical Laboratories, University of North Carolina at Chapel Hill
Classification: Likely pathogenic for Autosomal recessive Alport syndrome. Last evaluated: 2023-06-06. Review status: criteria provided, single submitter. Criteria: ACMG Guidelines, 2015. Collection method: clinical testing. Allele origin: germline.